The following is an entry in ClinVar:

ClinVar aggregate classification (germline): Benign/Likely benign. Review status: criteria provided, multiple submitters, no conflicts (2 of 4 stars). 7 submissions from 7 submitters: Benign (6); Likely benign (1). Last evaluated 2026-02-04.

Conditions:
Cerebroretinal microangiopathy with calcifications and cysts 1 (CRMCC1). Identifiers: Orphanet 313838, MedGen C4552029, MONDO:0024564, OMIM 612199.
Dyskeratosis congenita. Identifiers: Orphanet 1775, MedGen C0265965, MONDO:0015780.

Allele frequency attached by ClinVar (database versions not stated): gnomAD exomes 0.01853 and 0.03101; ExAC 0.02814; ESP Exome Variant Server 0.03207; gnomAD 0.03926 and 0.04073; 1000 Genomes Project 0.04313; TOPMed 0.04571; 1000 Genomes Project 30x 0.04966.
gnomAD v4.1: 33,273 of 1,614,072 alleles (2.1%); highest among the groups gnomAD compares: Admixed American, 11%; 838 homozygotes.

Submissions 1 to 30 of 53:

Labcorp Genetics (formerly Invitae), Labcorp
Classification: Benign for Dyskeratosis congenita. Last evaluated: 2026-02-04. Review status: criteria provided, single submitter. Criteria: Invitae Variant Classification Sherloc (09022015). Collection method: clinical testing. Allele origin: germline.

ARUP Laboratories, Molecular Genetics and Genomics, ARUP Laboratories
Classification: Benign for Cerebroretinal microangiopathy with calcifications and cysts 1. Last evaluated: 2025-05-05. Review status: criteria provided, single submitter. Criteria: ARUP Molecular Germline Variant Investigation Process 2024. Collection method: clinical testing. Allele origin: germline.

Blueprint Genetics
Classification: Likely benign. Last evaluated: 2024-11-27. Review status: criteria provided, single submitter. Criteria: ACMG Guidelines, 2015. Collection method: clinical testing. Allele origin: germline.

Genome-Nilou Lab
Classification: Benign for Cerebroretinal microangiopathy with calcifications and cysts 1. Last evaluated: 2021-07-15. Review status: criteria provided, single submitter. Criteria: ACMG Guidelines, 2015. Collection method: clinical testing. Allele origin: germline. Affected: no.

GeneDx
Classification: Benign. Last evaluated: 2019-03-16. Review status: criteria provided, single submitter. Criteria: GeneDx Variant Classification Process June 2021. Collection method: clinical testing. Allele origin: germline. Affected: yes.

Illumina Laboratory Services, Illumina
Classification: Benign for Dyskeratosis congenita. Last evaluated: 2018-01-12. Review status: criteria provided, single submitter. Criteria: ICSL Variant Classification Criteria 13 December 2019. Collection method: clinical testing. Allele origin: germline.
Comment: This variant was observed in the ICSL laboratory as part of a predisposition screen in an ostensibly healthy population. It had not been previously curated by ICSL or reported in the Human Gene Mutation Database (HGMD: prior to June 1st, 2018), and was therefore a candidate for classification through an automated scoring system. Utilizing variant allele frequency, disease prevalence and penetrance estimates, and inheritance mode, an automated score was calculated to assess if this variant is too frequent to cause the disease. Based on the score and internal cut-off values, a variant classified as benign is not then subjected to further curation. The score for this variant resulted in a classification of benign for this disease.

Breakthrough Genomics
Classification: Benign. Review status: criteria provided, single submitter. Criteria: ACMG Guidelines, 2015. Collection method: not provided. Allele origin: germline. Inheritance: Autosomal recessive inheritance. Affected: yes.

Dr. Peter K. Rogan Lab, Western University
No classification provided (evidence only). Condition: Acute myeloid leukemia. Review status: no classification provided. Collection method: in vitro. Allele origin: not applicable. Functional consequence: retained intron. Not counted in ClinVar's aggregate classification.

Dr. Peter K. Rogan Lab, Western University
No classification provided (evidence only). Condition: Acute myeloid leukemia. Review status: no classification provided. Collection method: in vitro. Allele origin: not applicable. Functional consequence: retained intron. Not counted in ClinVar's aggregate classification.

Dr. Peter K. Rogan Lab, Western University
No classification provided (evidence only). Condition: Acute myeloid leukemia. Review status: no classification provided. Collection method: in vitro. Allele origin: not applicable. Functional consequence: retained intron. Not counted in ClinVar's aggregate classification.

Dr. Peter K. Rogan Lab, Western University
No classification provided (evidence only). Condition: Acute myeloid leukemia. Review status: no classification provided. Collection method: in vitro. Allele origin: not applicable. Functional consequence: skipped exon, retained intron. Not counted in ClinVar's aggregate classification.

Dr. Peter K. Rogan Lab, Western University
No classification provided (evidence only). Condition: Acute myeloid leukemia. Review status: no classification provided. Collection method: in vitro. Allele origin: not applicable. Functional consequence: retained intron. Not counted in ClinVar's aggregate classification.

Dr. Peter K. Rogan Lab, Western University
No classification provided (evidence only). Condition: Acute myeloid leukemia. Review status: no classification provided. Collection method: in vitro. Allele origin: not applicable. Functional consequence: retained intron. Not counted in ClinVar's aggregate classification.

Dr. Peter K. Rogan Lab, Western University
No classification provided (evidence only). Condition: Acute myeloid leukemia. Review status: no classification provided. Collection method: in vitro. Allele origin: not applicable. Functional consequence: retained intron. Not counted in ClinVar's aggregate classification.

Dr. Peter K. Rogan Lab, Western University
No classification provided (evidence only). Condition: Acute myeloid leukemia. Review status: no classification provided. Collection method: in vitro. Allele origin: not applicable. Functional consequence: retained intron. Not counted in ClinVar's aggregate classification.

Dr. Peter K. Rogan Lab, Western University
No classification provided (evidence only). Condition: Acute myeloid leukemia. Review status: no classification provided. Collection method: in vitro. Allele origin: not applicable. Functional consequence: retained intron. Not counted in ClinVar's aggregate classification.

Dr. Peter K. Rogan Lab, Western University
No classification provided (evidence only). Condition: Acute myeloid leukemia. Review status: no classification provided. Collection method: in vitro. Allele origin: not applicable. Functional consequence: skipped exon, retained intron. Not counted in ClinVar's aggregate classification.

Dr. Peter K. Rogan Lab, Western University
No classification provided (evidence only). Condition: Uterine corpus endometrial carcinoma. Review status: no classification provided. Collection method: in vitro. Allele origin: not applicable. Functional consequence: retained intron. Not counted in ClinVar's aggregate classification.

Dr. Peter K. Rogan Lab, Western University
No classification provided (evidence only). Condition: Uterine corpus endometrial carcinoma. Review status: no classification provided. Collection method: in vitro. Allele origin: not applicable. Functional consequence: retained intron. Not counted in ClinVar's aggregate classification.

Dr. Peter K. Rogan Lab, Western University
No classification provided (evidence only). Condition: Uterine corpus endometrial carcinoma. Review status: no classification provided. Collection method: in vitro. Allele origin: not applicable. Functional consequence: retained intron. Not counted in ClinVar's aggregate classification.

Dr. Peter K. Rogan Lab, Western University
No classification provided (evidence only). Condition: Uterine corpus endometrial carcinoma. Review status: no classification provided. Collection method: in vitro. Allele origin: not applicable. Functional consequence: retained intron. Not counted in ClinVar's aggregate classification.

Dr. Peter K. Rogan Lab, Western University
No classification provided (evidence only). Condition: Uterine corpus endometrial carcinoma. Review status: no classification provided. Collection method: in vitro. Allele origin: not applicable. Functional consequence: retained intron. Not counted in ClinVar's aggregate classification.

Dr. Peter K. Rogan Lab, Western University
No classification provided (evidence only). Condition: Cervical cancer. Review status: no classification provided. Collection method: in vitro. Allele origin: not applicable. Functional consequence: retained intron. Not counted in ClinVar's aggregate classification.

Dr. Peter K. Rogan Lab, Western University
No classification provided (evidence only). Condition: Cervical cancer. Review status: no classification provided. Collection method: in vitro. Allele origin: not applicable. Functional consequence: retained intron. Not counted in ClinVar's aggregate classification.

Dr. Peter K. Rogan Lab, Western University
No classification provided (evidence only). Condition: Cervical cancer. Review status: no classification provided. Collection method: in vitro. Allele origin: not applicable. Functional consequence: retained intron. Not counted in ClinVar's aggregate classification.

Dr. Peter K. Rogan Lab, Western University
No classification provided (evidence only). Condition: Cervical cancer. Review status: no classification provided. Collection method: in vitro. Allele origin: not applicable. Functional consequence: retained intron. Not counted in ClinVar's aggregate classification.

Dr. Peter K. Rogan Lab, Western University
No classification provided (evidence only). Condition: Cervical cancer. Review status: no classification provided. Collection method: in vitro. Allele origin: not applicable. Functional consequence: retained intron. Not counted in ClinVar's aggregate classification.

Dr. Peter K. Rogan Lab, Western University
No classification provided (evidence only). Condition: Cervical cancer. Review status: no classification provided. Collection method: in vitro. Allele origin: not applicable. Functional consequence: retained intron. Not counted in ClinVar's aggregate classification.

Dr. Peter K. Rogan Lab, Western University
No classification provided (evidence only). Condition: Cervical cancer. Review status: no classification provided. Collection method: in vitro. Allele origin: not applicable. Functional consequence: retained intron. Not counted in ClinVar's aggregate classification.

Dr. Peter K. Rogan Lab, Western University
No classification provided (evidence only). Condition: Cervical cancer. Review status: no classification provided. Collection method: in vitro. Allele origin: not applicable. Functional consequence: retained intron. Not counted in ClinVar's aggregate classification.

NM_025099.6(CTC1):c.2386-13T>G

Gene: CTC1 (CST telomere replication complex component 1; minus strand). Cytogenetic location: 17p13.1.
Variant type: single nucleotide variant.
Coding change: c.2386-13T>G on transcript NM_025099.6 (MANE Select); 13 bases into the intron before coding-DNA position 2386, T replaced by G.
Molecular consequence: intron variant.
Genome position (GRCh38, 1-based): chr17:8,231,828, A>C on the plus strand (T>G on the coding strand, the complement: CTC1 is on the minus strand). VCF-style: chr17-8231828-A-C. GRCh37 (hg19) VCF-style: chr17-8135146-A-C.
Other names: c.2386-13T>G (LRG_1124t1).
Identifiers: ClinVar variation 326072 (VCV000326072.22), dbSNP rs3027237, ClinGen allele CA8372096.